The following is an entry in ClinVar:

NM_006721.4(ADK):c.877G>C (p.Glu293Gln)

Gene: ADK (adenosine kinase; plus strand). Cytogenetic location: 10q22.2.
Variant type: single nucleotide variant.
Coding change: c.877G>C on transcript NM_006721.4 (MANE Select); coding-DNA position 877, G replaced by C.
Protein change: p.Glu293Gln; replaces glutamic acid 293 with glutamine.
Molecular consequence: missense variant. On other transcripts: intron variant (1).
Genome position (GRCh38, 1-based): chr10:74,600,493, G>C. VCF-style: chr10-74600493-G-C. GRCh37 (hg19) VCF-style: chr10-76360251-G-C.
Other names: c.826G>C, p.Glu276Gln (NM_001123.4); c.772G>C, p.Glu258Gln (NM_001202449.2); c.706G>C, p.Glu236Gln (NM_001202450.2); c.655G>C, p.Glu219Gln (NM_001369124.1); c.762+11176G>C (NM_001369123.1); short protein forms E258Q, E276Q, E219Q, E293Q, E236Q.
Identifiers: ClinVar variation 4526079 (VCV004526079.1).

ClinVar aggregate classification (germline): Uncertain significance (1 of 4 stars; one submission).

Submission:

Women's Health and Genetics/Laboratory Corporation of America, LabCorp
Classification: Uncertain significance. Last evaluated: 2025-07-08. Review status: criteria provided, single submitter. Criteria: LabCorp Variant Classification Summary - May 2015. Collection method: clinical testing. Allele origin: germline.
Comment: Variant summary: ADK c.826G>C (p.Glu276Gln) results in a conservative amino acid change in the encoded protein sequence. Algorithms developed to predict the effect of missense changes on protein structure and function are either unavailable or do not agree on the potential impact of this missense change. Several computational tools predict a significant impact on normal splicing: Three predict the variant abolishes a 5' splicing donor site. One predict the variant weakens a 5' donor site. However, these predictions have yet to be confirmed by functional studies. The variant was absent in 245934 control chromosomes. c.826G>C has been observed in a homozygous individual affected with Adenosine kinase deficiency (Monies_2019). These data indicate that the variant may be associated with disease. To our knowledge, no experimental evidence demonstrating an impact on protein function has been reported. The following publication have been ascertained in the context of this evaluation (PMID: 31130284). No submitters have cited clinical-significance assessments for this variant to ClinVar. Based on the evidence outlined above, the variant was classified as VUS-possibly pathogenic.

Literature cited by the submitters: PubMed 31130284.